The following is an entry in ClinVar:

NM_000489.6(ATRX):c.1894G>A (p.Glu632Lys)

Gene: ATRX (ATRX chromatin remodeler; minus strand). Cytogenetic location: Xq21.1.
Variant type: single nucleotide variant.
Coding change: c.1894G>A on transcript NM_000489.6 (MANE Select); coding-DNA position 1894, G replaced by A.
Protein change: p.Glu632Lys; replaces glutamic acid 632 with lysine.
Molecular consequence: missense variant.
Genome position (GRCh38, 1-based): chrX:77,683,362, C>T on the plus strand (G>A on the coding strand, the complement: ATRX is on the minus strand). VCF-style: chrX-77683362-C-T. GRCh37 (hg19) VCF-style: chrX-76938854-C-T.
Other names: c.1780G>A, p.Glu594Lys (NM_138270.5); short protein forms E594K, E632K.
Identifiers: ClinVar variation 1700912 (VCV001700912.5), dbSNP rs1557140572, ClinGen allele CA413715663.

ClinVar aggregate classification (germline): Conflicting classifications of pathogenicity. Review status: criteria provided, conflicting classifications (1 of 4 stars). 2 submissions from 2 submitters: Uncertain significance (1); Likely benign (1). Last evaluated 2023-07-18.

Conditions:
Alpha thalassemia-X-linked intellectual disability syndrome (ATRX). Also called: ALPHA-THALASSEMIA/MENTAL RETARDATION SYNDROME, X-LINKED; ATR, NONDELETION TYPE; X-linked alpha-thalassemia-mental retardation syndrome; ATR-X syndrome; Alpha thalassemia mental retardation syndrome, nondeletion type, X-linked; XLMR hypotonic face syndrome. Identifiers: Orphanet 847, MedGen C1845055, MONDO:0010519, OMIM 301040.

Allele frequency attached by ClinVar (database versions not stated): gnomAD exomes below 0.00001 and 0.00001.
gnomAD v4.1: 1 of 1,211,396 alleles (0.000083%); highest among the groups gnomAD compares: Admixed American, 0.0022%; no homozygotes.

Submissions (2):

Labcorp Genetics (formerly Invitae), Labcorp
Classification: Likely benign for Alpha thalassemia-X-linked intellectual disability syndrome. Last evaluated: 2023-07-18. Review status: criteria provided, single submitter. Criteria: Invitae Variant Classification Sherloc (09022015). Collection method: clinical testing. Allele origin: germline.

GeneDx
Classification: Uncertain significance. Last evaluated: 2022-02-09. Review status: criteria provided, single submitter. Criteria: GeneDx Variant Classification Process June 2021. Collection method: clinical testing. Allele origin: germline. Affected: yes.
Comment: Not observed at significant frequency in large population cohorts (gnomAD); In silico analysis supports that this missense variant does not alter protein structure/function; Has not been previously published as pathogenic or benign to our knowledge